The following is an entry in ClinVar:

NM_000173.7(GP1BA):c.1925_1926del (p.Thr642fs)

Genes: GP1BA (glycoprotein Ib platelet subunit alpha; plus strand), LOC130060044 (ATAC-STARR-seq lymphoblastoid active region 11554; plus strand). Cytogenetic location: 17p13.2.
Variant type: Microsatellite.
Coding change: c.1925_1926del on transcript NM_000173.7 (MANE Select); coding-DNA positions 1925 to 1926, 2 bases deleted (CA; older notation c.1925_1926delCA).
Protein change: p.Thr642fs; shifts the reading frame from threonine 642.
Molecular consequence: frameshift variant.
Genome position (GRCh38, 1-based): chr17:4,934,529-4,934,530, CA deleted; deleting any 2 consecutive bases within chr17:4,934,527-4,934,530 gives the same sequence; the c. name uses the placement nearest the transcript's 3' end. VCF-style (leftmost placement, unchanged base first): chr17-4934526-GCA-G. GRCh37 (hg19) VCF-style: chr17-4837821-GCA-G.
Other names: c.1925_1926delCA (NM_000173.6); short protein forms T642fs.
Identifiers: ClinVar variation 4072803 (VCV004072803.2).
Genomic context (GRCh38, chr17:4,934,526, plus strand): 5'-CTCTAGTGGCAGGAAGGAGGCCCTCAGCTCTGAGTCAGGGTCGTGGTCAGGACCTGCTGA[GCA>G]CAGTGAGCATTAGGTACTCTGGCCACAGCCTCTGAGGGTGGGAGGTTTGGGGACCTTGAG-3'

ClinVar aggregate classification (germline): Uncertain significance. Review status: criteria provided, multiple submitters, no conflicts (2 of 4 stars). 2 submissions from 2 submitters: Uncertain significance (2). Last evaluated 2026-09-09.

Conditions:
GP1BA-related disorder. Also called: GP1BA-related condition.

Submissions (2):

PreventionGenetics, part of Exact Sciences
Classification: Uncertain significance for GP1BA-related condition. Last evaluated: 2026-09-09. Review status: criteria provided, single submitter. Criteria: ACMG Guidelines, 2015. Collection method: clinical testing. Allele origin: germline.
Comment: The GP1BA c.1925_1926delCA variant is predicted to result in a frameshift and premature protein termination (p.Thr642Serfs*4). This variant resides in the last exon near the end of the gene and therefore its impact on protein function cannot be predicted. To our knowledge, this variant has not been reported in the literature. This variant is reported in 0.0018% of alleles in individuals of European (Non-Finnish) descent in gnomAD. At this time, the clinical significance of this variant is uncertain due to the absence of conclusive functional and genetic evidence.

GeneDx
Classification: Uncertain significance. Last evaluated: 2025-02-02. Review status: criteria provided, single submitter. Criteria: GeneDx Variant Classification Process June 2021. Collection method: clinical testing. Allele origin: germline. Affected: yes.
Comment: Not observed at significant frequency in large population cohorts (gnomAD); Frameshift variant predicted to result in abnormal protein length as the last 11 amino acid(s) are replaced with 3 different amino acid(s); Has not been previously published as pathogenic or benign to our knowledge